The following is an entry in ClinVar:

ClinVar aggregate classification (germline): Likely benign. Review status: criteria provided, multiple submitters, no conflicts (2 of 4 stars). 3 submissions from 3 submitters: Likely benign (3). Last evaluated 2024-09-16.

Conditions:
Hereditary cancer-predisposing syndrome. Also called: Tumor predisposition; Neoplastic Syndromes, Hereditary; Hereditary Cancer Syndrome; Hereditary neoplastic syndrome. Identifiers: Orphanet 140162, MedGen C0027672, MeSH D009386, MONDO:0015356.
Hereditary diffuse gastric adenocarcinoma (HDGC). Also called: DIFFUSE GASTRIC AND LOBULAR BREAST CANCER SYNDROME. Identifiers: Orphanet 26106, MedGen C1708349, MONDO:0007648, OMIM 137215.

Allele frequency attached by ClinVar (database versions not stated): ExAC 0.00001; gnomAD exomes 0.00001 and below 0.00001.
gnomAD v4.1: 5 of 1,612,700 alleles (0.00031%); highest among the groups gnomAD compares: South Asian, 0.0055%; no homozygotes.

Submissions (3):

Myriad Genetics, Inc.
Classification: Likely benign for Hereditary diffuse gastric adenocarcinoma. Last evaluated: 2024-09-16. Review status: criteria provided, single submitter. Criteria: Myriad Autosomal Dominant, Autosomal Recessive and X-Linked Classification Criteria (2023). Collection method: clinical testing. Allele origin: unknown.
Comment: This variant is considered likely benign. This variant is intronic and is not expected to impact mRNA splicing.

Labcorp Genetics (formerly Invitae), Labcorp
Classification: Likely benign for Hereditary diffuse gastric adenocarcinoma. Last evaluated: 2021-09-21. Review status: criteria provided, single submitter. Criteria: Invitae Variant Classification Sherloc (09022015). Collection method: clinical testing. Allele origin: germline.

Color Diagnostics, LLC DBA Color Health
Classification: Likely benign for Hereditary cancer-predisposing syndrome. Last evaluated: 2017-03-28. Review status: criteria provided, single submitter. Criteria: ACMG Guidelines, 2015. Collection method: clinical testing. Allele origin: germline.

NM_004360.5(CDH1):c.833-19T>C

Gene: CDH1 (cadherin 1; plus strand). Cytogenetic location: 16q22.1.
Variant type: single nucleotide variant.
Coding change: c.833-19T>C on transcript NM_004360.5 (MANE Select); 19 bases into the intron before coding-DNA position 833, T replaced by C.
Molecular consequence: intron variant.
Genome position (GRCh38, 1-based): chr16:68,811,665, T>C. VCF-style: chr16-68811665-T-C. GRCh37 (hg19) VCF-style: chr16-68845568-T-C.
Other names: c.-783-19T>C (NM_001317185.2); c.-987-19T>C (NM_001317186.2); c.833-19T>C (NM_001317184.2).
Identifiers: ClinVar variation 491558 (VCV000491558.12), dbSNP rs762712874, ClinGen allele CA8129947.